The following is an entry in ClinVar:

ClinVar aggregate classification (germline): Likely benign. Review status: criteria provided, multiple submitters, no conflicts (2 of 4 stars). 2 submissions from 2 submitters: Likely benign (2). Last evaluated 2024-10-22.

Conditions:
Glycogen storage disease IXd (GSD9D). Also called: GSD IXd; Muscle Phosphorylase Kinase Deficiency. Identifiers: Orphanet 715, MedGen C1845151, MONDO:0010362, OMIM 300559.

Allele frequency attached by ClinVar (database versions not stated): ExAC 0.00001; gnomAD 0.00002; TOPMed 0.00003; gnomAD exomes below 0.00001.
gnomAD v4.1: 8 of 1,208,925 alleles (0.00066%); highest among the groups gnomAD compares: African/African-American, 0.0017%; no homozygotes.

Submissions (2):

Labcorp Genetics (formerly Invitae), Labcorp
Classification: Likely benign for Glycogen storage disease IXd. Last evaluated: 2024-10-22. Review status: criteria provided, single submitter. Criteria: Invitae Variant Classification Sherloc (09022015). Collection method: clinical testing. Allele origin: germline.

CeGaT Center for Human Genetics Tuebingen
Classification: Likely benign. Last evaluated: 2022-11-01. Review status: criteria provided, single submitter. Criteria: CeGaT Center For Human Genetics Tuebingen Variant Classification Criteria Version 2. Collection method: clinical testing. Allele origin: germline. Affected: yes. Observed: 1 variant allele.
Comment: PHKA1: BP4, BP7

NM_002637.4(PHKA1):c.663A>G (p.Lys221=)

Gene: PHKA1 (phosphorylase kinase regulatory subunit alpha 1; minus strand). Cytogenetic location: Xq13.1.
Variant type: single nucleotide variant.
Coding change: c.663A>G on transcript NM_002637.4 (MANE Select); coding-DNA position 663, A replaced by G.
Protein change: p.Lys221=; no amino-acid change (lysine 221 retained).
Molecular consequence: synonymous variant.
Genome position (GRCh38, 1-based): chrX:72,667,429, T>C on the plus strand (A>G on the coding strand, the complement: PHKA1 is on the minus strand). VCF-style: chrX-72667429-T-C. GRCh37 (hg19) VCF-style: chrX-71887279-T-C.
Other names: c.663A>G, p.Lys221= (NM_001122670.2, NM_001172436.2).
Identifiers: ClinVar variation 2660919 (VCV002660919.27), dbSNP rs782061485, ClinGen allele CA10451014.